The following is an entry in ClinVar:

ClinVar aggregate classification (germline): Likely pathogenic (1 of 4 stars; one submission).

Conditions:
Retinitis pigmentosa 71 (RP71). Identifiers: Orphanet 791, MedGen C4225342, MONDO:0014618, OMIM 616394.
Short-rib thoracic dysplasia 10 with or without polydactyly (SRTD10). Identifiers: Orphanet 474, MedGen C3810175, MONDO:0014284, OMIM 615630.

gnomAD v4.1: 1 of 1,614,102 alleles (0.000062%); no homozygotes.

Submission:

Labcorp Genetics (formerly Invitae), Labcorp
Classification: Likely pathogenic for Retinitis pigmentosa 71; Short-rib thoracic dysplasia 10 with or without polydactyly. Last evaluated: 2023-05-20. Review status: criteria provided, single submitter. Criteria: Invitae Variant Classification Sherloc (09022015). Collection method: clinical testing. Allele origin: germline.
Comment: ClinVar contains an entry for this variant (Variation ID: 1516850). This variant has not been reported in the literature in individuals affected with IFT172-related conditions. This variant is not present in population databases (gnomAD no frequency). This sequence change affects a donor splice site in intron 39 of the IFT172 gene. It is expected to disrupt RNA splicing. Variants that disrupt the donor or acceptor splice site typically lead to a loss of protein function (PMID: 16199547), and loss-of-function variants in IFT172 are known to be pathogenic (PMID: 24140113). In summary, the currently available evidence indicates that the variant is pathogenic, but additional data are needed to prove that conclusively. Therefore, this variant has been classified as Likely Pathogenic. Algorithms developed to predict the effect of sequence changes on RNA splicing suggest that this variant may disrupt the consensus splice site.

Literature cited by the submitters: PubMed 16199547; PubMed 24140113.

NM_015662.3(IFT172):c.4311+1G>A

Gene: IFT172 (intraflagellar transport 172; minus strand). Cytogenetic location: 2p23.3.
Variant type: single nucleotide variant.
Coding change: c.4311+1G>A on transcript NM_015662.3 (MANE Select); the canonical splice donor site of the intron after coding-DNA position 4311, G replaced by A.
Molecular consequence: splice donor variant.
Genome position (GRCh38, 1-based): chr2:27,449,293, C>T on the plus strand (G>A on the coding strand, the complement: IFT172 is on the minus strand). VCF-style: chr2-27449293-C-T. GRCh37 (hg19) VCF-style: chr2-27672160-C-T.
Other names: c.4245+1G>A (NM_001410739.1).
Identifiers: ClinVar variation 1516850 (VCV001516850.8), dbSNP rs2148477195, ClinGen allele CA346420586.